The following is an entry in ClinVar:

NM_001099289.3(SH3RF3):c.44C>T (p.Ala15Val)

Genes: RANBP2 (RAN binding protein 2; plus strand), SH3RF3 (SH3 domain containing ring finger 3; plus strand), SH3RF3-AS1 (SH3RF3 antisense RNA 1; minus strand). Cytogenetic location: 2q13.
Variant type: single nucleotide variant.
Coding change: c.44C>T on transcript NM_001099289.3 (MANE Select); coding-DNA position 44, C replaced by T.
Protein change: p.Ala15Val; replaces alanine 15 with valine.
Molecular consequence: missense variant. On other transcripts: non-coding transcript variant (1).
Genome position (GRCh38, 1-based): chr2:109,129,584, C>T. VCF-style: chr2-109129584-C-T. GRCh37 (hg19) VCF-style: chr2-109746040-C-T.
Other names: short protein forms A15V.
Identifiers: ClinVar variation 3953830 (VCV003953830.1).

ClinVar aggregate classification (germline): Uncertain significance (1 of 4 stars; one submission).

gnomAD v4.1: 7 of 1,483,230 alleles (0.00047%); highest among the groups gnomAD compares: Admixed American, 0.0093%; no homozygotes.

Submission:

Ambry Genetics
Classification: Uncertain significance. Last evaluated: 2025-05-07. Review status: criteria provided, single submitter. Criteria: Ambry Variant Classification Scheme 2023. Collection method: clinical testing. Allele origin: germline.
Comment: The c.44C>T (p.A15V) alteration is located in exon (coding exon ) of the SH3RF3 gene. This alteration results from a C to T substitution at nucleotide position 44, causing the alanine (A) at amino acid position 15 to be replaced by a valine (V). Based on insufficient or conflicting evidence, the clinical significance of this alteration remains unclear.